The following is an entry in ClinVar:

ClinVar aggregate classification (germline): Uncertain significance. Review status: criteria provided, multiple submitters, no conflicts (2 of 4 stars). 2 submissions from 2 submitters: Uncertain significance (2). Last evaluated 2025-04-18.

Conditions:
Infantile spasms. Also called: Infantile spasm. Identifiers: MedGen C3887898, HP:0012469.

Allele frequency attached by ClinVar (database versions not stated): gnomAD 0.00001; TOPMed 0.00001.
gnomAD v4.1: 7 of 1,613,958 alleles (0.00043%); highest among the groups gnomAD compares: Non-Finnish European, 0.00051%; no homozygotes.

Submissions (2):

Ambry Genetics
Classification: Uncertain significance. Last evaluated: 2025-04-18. Review status: criteria provided, single submitter. Criteria: Ambry Variant Classification Scheme 2023. Collection method: clinical testing. Allele origin: germline.

Labcorp Genetics (formerly Invitae), Labcorp
Classification: Uncertain significance for Infantile spasms. Last evaluated: 2022-11-22. Review status: criteria provided, single submitter. Criteria: Invitae Variant Classification Sherloc (09022015). Collection method: clinical testing. Allele origin: germline.
Comment: Algorithms developed to predict the effect of missense changes on protein structure and function output the following: SIFT: "Tolerated"; PolyPhen-2: "Benign"; Align-GVGD: "Class C0". The leucine amino acid residue is found in multiple mammalian species, which suggests that this missense change does not adversely affect protein function. In summary, the available evidence is currently insufficient to determine the role of this variant in disease. Therefore, it has been classified as a Variant of Uncertain Significance. ClinVar contains an entry for this variant (Variation ID: 1413899). This variant has not been reported in the literature in individuals affected with PIK3AP1-related conditions. This variant is not present in population databases (gnomAD no frequency). This sequence change replaces serine, which is neutral and polar, with leucine, which is neutral and non-polar, at codon 164 of the PIK3AP1 protein (p.Ser164Leu).

NM_152309.3(PIK3AP1):c.491C>T (p.Ser164Leu)

Gene: PIK3AP1 (phosphoinositide-3-kinase adaptor protein 1; minus strand). Cytogenetic location: 10q24.1.
Variant type: single nucleotide variant.
Coding change: c.491C>T on transcript NM_152309.3 (MANE Select); coding-DNA position 491, C replaced by T.
Protein change: p.Ser164Leu; replaces serine 164 with leucine.
Molecular consequence: missense variant.
Genome position (GRCh38, 1-based): chr10:96,656,874, G>A on the plus strand (C>T on the coding strand, the complement: PIK3AP1 is on the minus strand). VCF-style: chr10-96656874-G-A. GRCh37 (hg19) VCF-style: chr10-98416631-G-A.
Other names: c.491C>T (NM_152309.2); short protein forms S164L.
Identifiers: ClinVar variation 1413899 (VCV001413899.7), dbSNP rs1281459160, ClinGen allele CA377750230.
Genomic context (GRCh38, chr10:96,656,874, plus strand): 5'-TCCGGCTGCACCACCATCAGGTTCCCAGGTGAAGTCACCGTCGGCAGGTTCTGCTGCTTC[G>A]AGTAGGAAACAACCTTCTCGTCCTCAGGCTCAGTGTCAGTGACTGAGTCACAGCCAGAAT-3'
Protein context (NP_689522.2, residues 154-174): EPEDEKVVSY[Ser164Leu]KQQNLPTVTS